The following is an entry in ClinVar:

NM_023067.4(FOXL2):c.872del (p.His291fs)

Gene: FOXL2 (forkhead box L2; minus strand). Cytogenetic location: 3q22.3.
Variant type: Deletion.
Coding change: c.872del on transcript NM_023067.4 (MANE Select); coding-DNA position 872, one base deleted (A; older notation c.872delA).
Protein change: p.His291fs; shifts the reading frame from histidine 291.
Molecular consequence: frameshift variant.
Genome position (GRCh38, 1-based): chr3:138,945,851, T deleted on the plus strand (A on the coding strand, the reverse complement: FOXL2 is on the minus strand). VCF-style (leftmost placement, unchanged base first): chr3-138945850-GT-G. GRCh37 (hg19) VCF-style: chr3-138664692-GT-G.
Other names: short protein forms H291fs.
Identifiers: ClinVar variation 4281556 (VCV004281556.7).
Genomic context (GRCh38, chr3:138,945,850, plus strand): 5'-GTGCGGTGGGGCAGGCGGCGGTGCGGCGGCCGCGTGCAGATGGTGTGCGTGCGGATGCGG[GT>G]GGGGGTGCGGCGGAGGCGGGGGTGCGGCCGGCGGGCCTCCCAGGCCATTGTACGAGTTCA-3'

ClinVar aggregate classification (germline): Pathogenic (1 of 4 stars; one submission).

Submission:

CeGaT Center for Human Genetics Tuebingen
Classification: Pathogenic. Last evaluated: 2025-09-01. Review status: criteria provided, single submitter. Criteria: CeGaT Center For Human Genetics Tuebingen Variant Classification Criteria Version 2. Collection method: clinical testing. Allele origin: germline. Affected: yes. Observed: 1 variant allele.
Comment: FOXL2: PS2, PVS1:Strong, PM2